The following is an entry in ClinVar:

ClinVar aggregate classification (germline): Uncertain significance (1 of 4 stars; one submission).

Allele frequency attached by ClinVar (database versions not stated): gnomAD exomes below 0.00001; ExAC 0.00001.
gnomAD v4.1: 5 of 1,613,834 alleles (0.00031%); highest among the groups gnomAD compares: Non-Finnish European, 0.00042%; no homozygotes.

Submission:

Labcorp Genetics (formerly Invitae), Labcorp
Classification: Uncertain significance. Last evaluated: 2023-04-13. Review status: criteria provided, single submitter. Criteria: Invitae Variant Classification Sherloc (09022015). Collection method: clinical testing. Allele origin: germline.
Comment: In summary, the available evidence is currently insufficient to determine the role of this variant in disease. Therefore, it has been classified as a Variant of Uncertain Significance. Advanced modeling of protein sequence and biophysical properties (such as structural, functional, and spatial information, amino acid conservation, physicochemical variation, residue mobility, and thermodynamic stability) performed at Invitae indicates that this missense variant is expected to disrupt TEAD1 protein function. This variant has not been reported in the literature in individuals affected with TEAD1-related conditions. This variant is present in population databases (rs762130955, gnomAD 0.0009%). This sequence change replaces histidine, which is basic and polar, with glutamine, which is neutral and polar, at codon 418 of the TEAD1 protein (p.His418Gln).

NM_021961.6(TEAD1):c.1254T>A (p.His418Gln)

Gene: TEAD1 (TEA domain transcription factor 1; plus strand). Cytogenetic location: 11p15.3.
Variant type: single nucleotide variant.
Coding change: c.1254T>A on transcript NM_021961.6 (MANE Select); coding-DNA position 1254, T replaced by A.
Protein change: p.His418Gln; replaces histidine 418 with glutamine.
Molecular consequence: missense variant.
Genome position (GRCh38, 1-based): chr11:12,937,195, T>A. VCF-style: chr11-12937195-T-A. GRCh37 (hg19) VCF-style: chr11-12958742-T-A.
Other names: short protein forms H418Q.
Identifiers: ClinVar variation 2874645 (VCV002874645.3), dbSNP rs762130955, ClinGen allele CA5891854.
Genomic context (GRCh38, chr11:12,937,195, plus strand): 5'-AACTCTACTCTGCATGGCCTGTGTGTTTGAAGTTTCAAATAGTGAACACGGAGCACAACA[T>A]CATATTTACAGGCTTGTAAAGGACTGAACATGGTTATTTATATATATAGATATCTGTATA-3'
Protein context (NP_068780.2, residues 408-426): EVSNSEHGAQ[His418Gln]HIYRLVKD